The following is an entry in ClinVar:

ClinVar aggregate classification (germline): Uncertain significance (1 of 4 stars; one submission).

Allele frequency attached by ClinVar (database versions not stated): gnomAD exomes 0.00001.
gnomAD v4.1: 9 of 1,611,714 alleles (0.00056%); highest among the groups gnomAD compares: Non-Finnish European, 0.00076%; no homozygotes.

Submission:

Labcorp Genetics (formerly Invitae), Labcorp
Classification: Uncertain significance. Last evaluated: 2024-05-15. Review status: criteria provided, single submitter. Criteria: Invitae Variant Classification Sherloc (09022015). Collection method: clinical testing. Allele origin: germline.
Comment: This sequence change replaces valine, which is neutral and non-polar, with isoleucine, which is neutral and non-polar, at codon 329 of the CCDC88A protein (p.Val329Ile). This variant is not present in population databases (gnomAD no frequency). This variant has not been reported in the literature in individuals affected with CCDC88A-related conditions. ClinVar contains an entry for this variant (Variation ID: 2152736). An algorithm developed to predict the effect of missense changes on protein structure and function (PolyPhen-2) suggests that this variant is likely to be tolerated. In summary, the available evidence is currently insufficient to determine the role of this variant in disease. Therefore, it has been classified as a Variant of Uncertain Significance.

NM_001365480.1(CCDC88A):c.985G>A (p.Val329Ile)

Gene: CCDC88A (coiled-coil and HOOK domain protein 88A; minus strand). Cytogenetic location: 2p16.1.
Variant type: single nucleotide variant.
Coding change: c.985G>A on transcript NM_001365480.1 (MANE Select); coding-DNA position 985, G replaced by A.
Protein change: p.Val329Ile; replaces valine 329 with isoleucine.
Molecular consequence: missense variant.
Genome position (GRCh38, 1-based): chr2:55,346,231, C>T on the plus strand (G>A on the coding strand, the complement: CCDC88A is on the minus strand). VCF-style: chr2-55346231-C-T. GRCh37 (hg19) VCF-style: chr2-55573367-C-T.
Other names: c.985G>A, p.Val329Ile (NM_001135597.2, NM_001254943.2, NM_018084.5); short protein forms V329I.
Identifiers: ClinVar variation 2152736 (VCV002152736.3), dbSNP rs1669092633, ClinGen allele CA346906883.
Genomic context (GRCh38, chr2:55,346,231, plus strand): 5'-ATACCTCAACTCTTGCCTTATAAAATTCAATATCATGTAGTCTCTCTTTATATCTGCTGA[C>T]TTCACTTTCAAGCTTATCGACTCTGACTGCTTTCTCTCGAAGTGCATCTAATTCATCTCG-3'
Protein context (NP_001352409.1, residues 319-339): AVRVDKLESE[Val329Ile]SRYKERLHDI